The following is an entry in ClinVar:

NM_000038.6(APC):c.4382A>G (p.Glu1461Gly)

Gene: APC (APC regulator of Wnt signaling pathway; plus strand). Cytogenetic location: 5q22.2.
Variant type: single nucleotide variant.
Coding change: c.4382A>G on transcript NM_000038.6 (MANE Select); coding-DNA position 4382, A replaced by G.
Protein change: p.Glu1461Gly; replaces glutamic acid 1461 with glycine.
Molecular consequence: missense variant.
Genome position (GRCh38, 1-based): chr5:112,839,976, A>G. VCF-style: chr5-112839976-A-G. GRCh37 (hg19) VCF-style: chr5-112175673-A-G.
Other names: c.4079A>G, p.Glu1360Gly (NM_001354903.2); c.4004A>G, p.Glu1335Gly (NM_001354904.2); c.3902A>G, p.Glu1301Gly (NM_001354905.2); c.3533A>G, p.Glu1178Gly (NM_001354906.2); c.4382A>G, p.Glu1461Gly (NM_001127510.3, NM_001354895.2); c.4328A>G, p.Glu1443Gly (NM_001127511.3); c.4436A>G, p.Glu1479Gly (NM_001354896.2); c.4412A>G, p.Glu1471Gly (NM_001354897.2); and 5 more; short protein forms E1335G, E1370G, E1433G, E1443G, E1178G, E1420G, E1471G, E1360G.
Identifiers: ClinVar variation 925509 (VCV000925509.8), dbSNP rs1765668911, ClinGen allele CA16030925.

ClinVar aggregate classification (germline): Uncertain significance. Review status: criteria provided, multiple submitters, no conflicts (2 of 4 stars). 3 submissions from 3 submitters: Uncertain significance (3). Last evaluated 2024-10-15.

Conditions:
Hereditary cancer-predisposing syndrome. Also called: Neoplastic Syndromes, Hereditary; Tumor predisposition; Hereditary Cancer Syndrome; Hereditary neoplastic syndrome. Identifiers: Orphanet 140162, MedGen C0027672, MeSH D009386, MONDO:0015356.
Familial adenomatous polyposis 1 (FAP1). Also called: FAMILIAL ADENOMATOUS POLYPOSIS 1, ATTENUATED; POLYPOSIS, ADENOMATOUS INTESTINAL. Identifiers: MedGen C2713442, MONDO:0021056, OMIM 175100. Disease mechanism: loss of function.

Submissions (3):

Labcorp Genetics (formerly Invitae), Labcorp
Classification: Uncertain significance for Familial adenomatous polyposis 1. Last evaluated: 2024-10-15. Review status: criteria provided, single submitter. Criteria: Invitae Variant Classification Sherloc (09022015). Collection method: clinical testing. Allele origin: germline.
Comment: This sequence change replaces glutamic acid, which is acidic and polar, with glycine, which is neutral and non-polar, at codon 1461 of the APC protein (p.Glu1461Gly). This variant is not present in population databases (gnomAD no frequency). This variant has not been reported in the literature in individuals affected with APC-related conditions. ClinVar contains an entry for this variant (Variation ID: 925509). Invitae Evidence Modeling of protein sequence and biophysical properties (such as structural, functional, and spatial information, amino acid conservation, physicochemical variation, residue mobility, and thermodynamic stability) indicates that this missense variant is not expected to disrupt APC protein function with a negative predictive value of 95%. In summary, the available evidence is currently insufficient to determine the role of this variant in disease. Therefore, it has been classified as a Variant of Uncertain Significance.

Ambry Genetics
Classification: Uncertain significance for Hereditary cancer-predisposing syndrome. Last evaluated: 2024-01-12. Review status: criteria provided, single submitter. Criteria: Ambry Variant Classification Scheme 2023. Collection method: clinical testing. Allele origin: germline.
Comment: The p.E1461G variant (also known as c.4382A>G), located in coding exon 15 of the APC gene, results from an A to G substitution at nucleotide position 4382. The glutamic acid at codon 1461 is replaced by glycine, an amino acid with similar properties. This amino acid position is conserved. In addition, in silico predictors for this gene do not accurately predict pathogenicity. Since supporting evidence is limited at this time, the clinical significance of this alteration remains unclear.

Color Diagnostics, LLC DBA Color Health
Classification: Uncertain significance for Hereditary cancer-predisposing syndrome. Last evaluated: 2023-12-04. Review status: criteria provided, single submitter. Criteria: ACMG Guidelines, 2015. Collection method: clinical testing. Allele origin: germline.
Comment: This missense variant replaces glutamic acid with glycine at codon 1461 of the APC protein. Computational prediction tools and conservation analyses are inconclusive regarding the impact of this variant on the protein function. Splice site prediction tools suggest that this variant may not impact RNA splicing. To our knowledge, functional assays have not been performed for this variant nor has this variant been reported in individuals affected with hereditary cancer in the literature. This variant has not been identified in the general population by the Genome Aggregation Database (gnomAD). Available evidence is insufficient to determine the role of this variant in disease conclusively. Therefore, this variant is classified as a Variant of Uncertain Significance.